The following is an entry in ClinVar:

NM_000836.4(GRIN2D):c.341G>C (p.Gly114Ala)

Gene: GRIN2D (glutamate ionotropic receptor NMDA type subunit 2D; plus strand). Cytogenetic location: 19q13.33.
Variant type: single nucleotide variant.
Coding change: c.341G>C on transcript NM_000836.4 (MANE Select); coding-DNA position 341, G replaced by C.
Protein change: p.Gly114Ala; replaces glycine 114 with alanine.
Molecular consequence: missense variant.
Genome position (GRCh38, 1-based): chr19:48,398,733, G>C. VCF-style: chr19-48398733-G-C. GRCh37 (hg19) VCF-style: chr19-48901990-G-C.
Other names: short protein forms G114A.
Identifiers: ClinVar variation 1722239 (VCV001722239.5), dbSNP rs2516062629, ClinGen allele CA406689020.

ClinVar aggregate classification (germline): Uncertain significance (1 of 4 stars; one submission).

gnomAD v4.1: 2 of 1,467,762 alleles (0.00014%); highest among the groups gnomAD compares: South Asian, 0.0026%; no homozygotes.

Submission:

Labcorp Genetics (formerly Invitae), Labcorp
Classification: Uncertain significance. Last evaluated: 2024-11-26. Review status: criteria provided, single submitter. Criteria: Invitae Variant Classification Sherloc (09022015). Collection method: clinical testing. Allele origin: germline.
Comment: This sequence change replaces glycine, which is neutral and non-polar, with alanine, which is neutral and non-polar, at codon 114 of the GRIN2D protein (p.Gly114Ala). This variant is not present in population databases (gnomAD no frequency). This variant has not been reported in the literature in individuals affected with GRIN2D-related conditions. ClinVar contains an entry for this variant (Variation ID: 1722239). Invitae Evidence Modeling of protein sequence and biophysical properties (such as structural, functional, and spatial information, amino acid conservation, physicochemical variation, residue mobility, and thermodynamic stability) indicates that this missense variant is not expected to disrupt GRIN2D protein function with a negative predictive value of 80%. In summary, the available evidence is currently insufficient to determine the role of this variant in disease. Therefore, it has been classified as a Variant of Uncertain Significance.